The following is an entry in ClinVar:

ClinVar aggregate classification (germline): Uncertain significance (1 of 4 stars; one submission).

Conditions:
Familial adenomatous polyposis 1 (FAP1). Also called: FAMILIAL ADENOMATOUS POLYPOSIS 1, ATTENUATED; POLYPOSIS, ADENOMATOUS INTESTINAL. Identifiers: MedGen C2713442, MONDO:0021056, OMIM 175100. Disease mechanism: loss of function.

Submission:

Labcorp Genetics (formerly Invitae), Labcorp
Classification: Uncertain significance for Familial adenomatous polyposis 1. Last evaluated: 2026-01-13. Review status: criteria provided, single submitter. Criteria: Invitae Variant Classification Sherloc (09022015). Collection method: clinical testing. Allele origin: germline.
Comment: This sequence change replaces alanine, which is neutral and non-polar, with serine, which is neutral and polar, at codon 465 of the APC protein (p.Ala465Ser). This variant is not present in population databases (gnomAD no frequency). This variant has not been reported in the literature in individuals affected with APC-related conditions. ClinVar contains an entry for this variant (Variation ID: 216149). Invitae Evidence Modeling of protein sequence and biophysical properties (such as structural, functional, and spatial information, amino acid conservation, physicochemical variation, residue mobility, and thermodynamic stability) indicates that this missense variant is not expected to disrupt APC protein function with a negative predictive value of 95%. In summary, the available evidence is currently insufficient to determine the role of this variant in disease. Therefore, it has been classified as a Variant of Uncertain Significance.

NM_000038.6(APC):c.1393G>T (p.Ala465Ser)

Gene: APC (APC regulator of Wnt signaling pathway; plus strand). Cytogenetic location: 5q22.2.
Variant type: single nucleotide variant.
Coding change: c.1393G>T on transcript NM_000038.6 (MANE Select); coding-DNA position 1393, G replaced by T.
Protein change: p.Ala465Ser; replaces alanine 465 with serine.
Molecular consequence: missense variant.
Genome position (GRCh38, 1-based): chr5:112,821,976, G>T. VCF-style: chr5-112821976-G-T. GRCh37 (hg19) VCF-style: chr5-112157673-G-T.
Other names: c.1216G>T, p.Ala406Ser (NM_001354900.2, NM_001354901.2); c.1120G>T, p.Ala374Ser (NM_001354902.2); c.1090G>T, p.Ala364Ser (NM_001354903.2); c.1015G>T, p.Ala339Ser (NM_001354904.2); c.913G>T, p.Ala305Ser (NM_001354905.2); c.544G>T, p.Ala182Ser (NM_001354906.2); c.1393G>T, p.Ala465Ser (NM_001127510.3, NM_001354895.2, NM_001354896.2); c.1339G>T, p.Ala447Ser (NM_001127511.3); and 3 more; short protein forms A447S, A465S, A182S, A440S, A339S, A437S, A305S, A364S.
Identifiers: ClinVar variation 216149 (VCV000216149.7), dbSNP rs863224536, ClinGen allele CA336163.
Genomic context (GRCh38, chr5:112,821,976, plus strand): 5'-CAGATCTGTCCTGCTGTGTGTGTTCTAATGAAACTTTCATTTGATGAAGAGCATAGACAT[G>T]CAATGAATGAACTAGGTAAGACAAAAATGTTTTTTAATGACATAGACAATTACTGGTGGA-3'
Protein context (NP_000029.2, residues 455-475): KLSFDEEHRH[Ala465Ser]MNELGGLQAI